The following is an entry in ClinVar:

NM_000138.5(FBN1):c.1988del (p.Gly663fs)

Gene: FBN1 (fibrillin 1; minus strand). Cytogenetic location: 15q21.1.
Variant type: Deletion.
Coding change: c.1988del on transcript NM_000138.5 (MANE Select); coding-DNA position 1988, one base deleted (G; older notation c.1988delG).
Protein change: p.Gly663fs; shifts the reading frame from glycine 663.
Molecular consequence: frameshift variant.
Genome position (GRCh38, 1-based): chr15:48,503,912, C deleted on the plus strand (G on the coding strand, the reverse complement: FBN1 is on the minus strand); the first of 2 consecutive C bases (chr15:48,503,912-48,503,913); deleting either gives the same sequence. VCF-style (leftmost placement, unchanged base first): chr15-48503911-AC-A. GRCh37 (hg19) VCF-style: chr15-48796108-AC-A.
Other names: c.1988del, p.Gly663fs (NM_001406716.1); short protein forms G663fs.
Identifiers: ClinVar variation 3757354 (VCV003757354.2).
Genomic context (GRCh38, chr15:48,503,911, plus strand): 5'-GCATTCAGATTTAGTGACAGCACCAAACAAAGGTTTGATACACTGGCCTCTCTTGTATCC[AC>A]CATAGCATGTGCTCCGCATGTGTGTGTCTAAACAGGAAGAAGCATCTGTCATCACACTGT-3'

ClinVar aggregate classification (germline): Pathogenic (1 of 4 stars; one submission).

Conditions:
Marfan syndrome (MFS). Also called: MARFAN SYNDROME, TYPE I; Marfan syndrome type 1; Marfan's syndrome; Marfan syndrome, classic; FBN1-Related Marfan Syndrome. Identifiers: Orphanet 284963, Orphanet 558, MedGen C0024796, MONDO:0007947, OMIM 154700.
Familial thoracic aortic aneurysm and aortic dissection (TAAD). Also called: Thoracic aortic aneurysms and dissections. Identifiers: Orphanet 91387, MedGen C4707243, MONDO:0019625.

Submission:

Labcorp Genetics (formerly Invitae), Labcorp
Classification: Pathogenic for Marfan syndrome; Familial thoracic aortic aneurysm and aortic dissection. Last evaluated: 2024-08-04. Review status: criteria provided, single submitter. Criteria: Invitae Variant Classification Sherloc (09022015). Collection method: clinical testing. Allele origin: germline.
Comment: This sequence change creates a premature translational stop signal (p.Gly663Valfs*55) in the FBN1 gene. It is expected to result in an absent or disrupted protein product. Loss-of-function variants in FBN1 are known to be pathogenic (PMID: 17657824, 19293843). This variant is not present in population databases (gnomAD no frequency). This variant has not been reported in the literature in individuals affected with FBN1-related conditions. For these reasons, this variant has been classified as Pathogenic.

Literature cited by the submitters: PubMed 17657824; PubMed 19293843.